The following is an entry in ClinVar:

NM_001354604.2(MITF):c.861C>G (p.Asn287Lys)

Gene: MITF (melanocyte inducing transcription factor; plus strand). Cytogenetic location: 3p13.
Variant type: single nucleotide variant.
Coding change: c.861C>G on transcript NM_001354604.2 (MANE Select); coding-DNA position 861, C replaced by G.
Protein change: p.Asn287Lys; replaces asparagine 287 with lysine.
Molecular consequence: missense variant.
Genome position (GRCh38, 1-based): chr3:69,949,149, C>G. VCF-style: chr3-69949149-C-G. GRCh37 (hg19) VCF-style: chr3-69998300-C-G.
Other names: c.540C>G, p.Asn180Lys (NM_000248.4, NM_198158.3); c.705C>G, p.Asn235Lys (NM_001184967.2, NM_001354608.2); c.858C>G, p.Asn286Lys (NM_001354605.2, NM_001354606.2, NM_006722.3); c.810C>G, p.Asn270Lys (NM_001354607.2); c.861C>G, p.Asn287Lys (NM_198159.3); c.813C>G, p.Asn271Lys (NM_198177.3); c.372C>G, p.Asn124Lys (NM_198178.3); short protein forms N270K, N271K, N287K, N124K, N180K, N235K, N286K.
Identifiers: ClinVar variation 900358 (VCV000900358.7), dbSNP rs2066177332, ClinGen allele CA353561441.

ClinVar aggregate classification (germline): Uncertain significance. Review status: criteria provided, multiple submitters, no conflicts (2 of 4 stars). 4 submissions from 3 submitters: Uncertain significance (4). Last evaluated 2025-07-10.

Conditions:
Hereditary cancer-predisposing syndrome. Also called: Hereditary neoplastic syndrome; Hereditary Cancer Syndrome; Neoplastic Syndromes, Hereditary; Tumor predisposition. Identifiers: Orphanet 140162, MedGen C0027672, MeSH D009386, MONDO:0015356.
Tietz syndrome (TADS). Also called: ALBINISM-DEAFNESS OF TIETZ; HYPOPIGMENTATION/DEAFNESS OF TIETZ; TIETZ ALBINISM-DEAFNESS SYNDROME. Identifiers: Orphanet 42665, MedGen C0391816, MONDO:0007077, OMIM 103500.
Waardenburg syndrome type 2A (WS2A). Also called: WAARDENBURG SYNDROME WITHOUT DYSTOPIA CANTHORUM. Identifiers: Orphanet 3440, MedGen C1860339, MONDO:0008671, OMIM 193510.
Melanoma, cutaneous malignant, susceptibility to, 8. Also called: MELANOMA AND RENAL CELL CARCINOMA, SUSCEPTIBILITY TO; Cutaneous malignant melanoma 8. Identifiers: Orphanet 293822, MedGen C3152204, MONDO:0013759, OMIM 614456.

Submissions (4):

Labcorp Genetics (formerly Invitae), Labcorp
Classification: Uncertain significance for Melanoma, cutaneous malignant, susceptibility to, 8; Waardenburg syndrome type 2A; Tietz syndrome. Last evaluated: 2025-07-10. Review status: criteria provided, single submitter. Criteria: Invitae Variant Classification Sherloc (09022015). Collection method: clinical testing. Allele origin: germline.
Comment: This sequence change replaces asparagine, which is neutral and polar, with lysine, which is basic and polar, at codon 180 of the MITF protein (p.Asn180Lys). This variant is not present in population databases (gnomAD no frequency). This variant has not been reported in the literature in individuals affected with MITF-related conditions. ClinVar contains an entry for this variant (Variation ID: 900358). Invitae Evidence Modeling of protein sequence and biophysical properties (such as structural, functional, and spatial information, amino acid conservation, physicochemical variation, residue mobility, and thermodynamic stability) indicates that this missense variant is not expected to disrupt MITF protein function with a negative predictive value of 80%. In summary, the available evidence is currently insufficient to determine the role of this variant in disease. Therefore, it has been classified as a Variant of Uncertain Significance.

Ambry Genetics
Classification: Uncertain significance for Hereditary cancer-predisposing syndrome. Last evaluated: 2024-12-16. Review status: criteria provided, single submitter. Criteria: Ambry Variant Classification Scheme 2023. Collection method: clinical testing. Allele origin: germline.
Comment: The p.N180K variant (also known as c.540C>G), located in coding exon 5 of the MITF gene, results from a C to G substitution at nucleotide position 540. The asparagine at codon 180 is replaced by lysine, an amino acid with similar properties. This amino acid position is conserved. In addition, this alteration is predicted to be tolerated by in silico analysis. Based on the available evidence, the clinical significance of this variant remains unclear.

Illumina Laboratory Services, Illumina
Classification: Uncertain significance for Tietz syndrome. Last evaluated: 2018-01-12. Review status: criteria provided, single submitter. Criteria: ICSL Variant Classification Criteria 13 December 2019. Collection method: clinical testing. Allele origin: germline.

Illumina Laboratory Services, Illumina
Classification: Uncertain significance for Waardenburg syndrome type 2A. Last evaluated: 2018-01-12. Review status: criteria provided, single submitter. Criteria: ICSL Variant Classification Criteria 13 December 2019. Collection method: clinical testing. Allele origin: germline.